The following is an entry in ClinVar:

NM_018946.4(NANS):c.922_925dup (p.Met309fs)

Genes: TRIM14 (tripartite motif containing 14; minus strand), NANS (N-acetylneuraminate synthase; plus strand). Cytogenetic location: 9q22.33.
Variant type: Duplication.
Coding change: c.922_925dup on transcript NM_018946.4 (MANE Select); coding-DNA positions 922 to 925, 4 bases duplicated (ACAA; older notation c.922_925dupACAA).
Protein change: p.Met309fs; shifts the reading frame from methionine 309.
Molecular consequence: frameshift variant.
Genome position (GRCh38, 1-based): chr9:98,082,897-98,082,900, ACAA duplicated; duplicating any 4 consecutive bases within chr9:98,082,896-98,082,900 gives the same sequence; the c. name uses the placement nearest the transcript's 3' end. VCF-style (leftmost placement, unchanged base first): chr9-98082895-T-TAACA. GRCh37 (hg19) VCF-style: chr9-100845177-T-TAACA.
Other names: short protein forms M309fs.
Identifiers: ClinVar variation 5019523 (VCV005019523.1).

ClinVar aggregate classification (germline): Likely pathogenic (1 of 4 stars; one submission).

Conditions:
Spondyloepimetaphyseal dysplasia, Genevieve type. Also called: SEMD Genevieve type; NANS DEFICIENCY. Identifiers: Orphanet 168454, MedGen C1864872, MONDO:0012495, OMIM 610442.

Submission:

Juno Genomics, Hangzhou Juno Genomics, Inc
Classification: Likely pathogenic for Spondyloepimetaphyseal dysplasia, Genevieve type. Review status: criteria provided, single submitter. Criteria: ACMG Guidelines, 2015. Collection method: clinical testing. Allele origin: germline. Affected: yes.
Comment: Absent from controls (or at extremely low frequency if recessive) in Genome Aggregation Database.;Null variant in a gene where loss of function (LOF) is a known mechanism of disease.;Patient's phenotype or family history is highly specific for a disease with a single genetic etiology.